The following is an entry in ClinVar:

ClinVar aggregate classification (germline): Uncertain significance (1 of 4 stars; one submission).

Conditions:
Charcot-Marie-Tooth disease type 2. Also called: Charcot-Marie-Tooth type 2. Identifiers: Orphanet 64746, MedGen C0270914, MONDO:0018993.

Allele frequency attached by ClinVar (database versions not stated): gnomAD exomes below 0.00001; TOPMed below 0.00001.
gnomAD v4.1: 1 of 1,601,532 alleles (0.000062%); highest among the groups gnomAD compares: Non-Finnish European, 0.000085%; no homozygotes.

Submission:

Labcorp Genetics (formerly Invitae), Labcorp
Classification: Uncertain significance for Charcot-Marie-Tooth disease type 2. Last evaluated: 2023-10-03. Review status: criteria provided, single submitter. Criteria: Invitae Variant Classification Sherloc (09022015). Collection method: clinical testing. Allele origin: germline.
Comment: This sequence change replaces leucine, which is neutral and non-polar, with glutamine, which is neutral and polar, at codon 673 of the AARS protein (p.Leu673Gln). This variant is not present in population databases (gnomAD no frequency). This variant has not been reported in the literature in individuals affected with AARS-related conditions. Advanced modeling of protein sequence and biophysical properties (such as structural, functional, and spatial information, amino acid conservation, physicochemical variation, residue mobility, and thermodynamic stability) performed at Invitae indicates that this missense variant is not expected to disrupt AARS protein function. In summary, the available evidence is currently insufficient to determine the role of this variant in disease. Therefore, it has been classified as a Variant of Uncertain Significance.

NM_001605.3(AARS1):c.2018T>A (p.Leu673Gln)

Gene: AARS1 (alanyl-tRNA synthetase 1; minus strand). Cytogenetic location: 16q22.1.
Variant type: single nucleotide variant.
Coding change: c.2018T>A on transcript NM_001605.3 (MANE Select); coding-DNA position 2018, T replaced by A.
Protein change: p.Leu673Gln; replaces leucine 673 with glutamine.
Molecular consequence: missense variant.
Genome position (GRCh38, 1-based): chr16:70,258,192, A>T on the plus strand (T>A on the coding strand, the complement: AARS1 is on the minus strand). VCF-style: chr16-70258192-A-T. GRCh37 (hg19) VCF-style: chr16-70292095-A-T.
Other names: short protein forms L673Q.
Identifiers: ClinVar variation 2894509 (VCV002894509.3), dbSNP rs1960039378, ClinGen allele CA396557818.
Genomic context (GRCh38, chr16:70,258,192, plus strand): 5'-GGGTCAGGATAGGTCTCATCAAACACAGCCCGTAGGCCCTGGATGGCTTTCGCTGCTGCC[A>T]GGGGGCAATCCTGGGTATAGACGGCCTGCCAGACCAAGAAGACAGAAAAGAGCTGGAAGA-3'
Protein context (NP_001596.2, residues 663-683): AKAVYTQDCP[Leu673Gln]AAAKAIQGLR